The following is an entry in ClinVar:

NM_024422.6(DSC2):c.1996G>T (p.Val666Phe)

Gene: DSC2 (desmocollin 2; minus strand). Cytogenetic location: 18q12.1.
Variant type: single nucleotide variant.
Coding change: c.1996G>T on transcript NM_024422.6 (MANE Select); coding-DNA position 1996, G replaced by T.
Protein change: p.Val666Phe; replaces valine 666 with phenylalanine.
Molecular consequence: missense variant.
Genome position (GRCh38, 1-based): chr18:31,071,734, C>A on the plus strand (G>T on the coding strand, the complement: DSC2 is on the minus strand). VCF-style: chr18-31071734-C-A. GRCh37 (hg19) VCF-style: chr18-28651700-C-A.
Other names: c.1567G>T, p.Val523Phe (NM_001406506.1, NM_001406507.1); c.1996G>T, p.Val666Phe (NM_004949.5); short protein forms V523F, V666F.
Identifiers: ClinVar variation 3072825 (VCV003072825.1), dbSNP rs758646191, ClinGen allele CA402113196.

ClinVar aggregate classification (germline): Uncertain significance (1 of 4 stars; one submission).

Conditions:
Familial isolated arrhythmogenic right ventricular dysplasia. Identifiers: Orphanet 217656, MedGen C4274968, MONDO:0016342.

Submission:

All of Us Research Program, National Institutes of Health
Classification: Uncertain significance for Familial isolated arrhythmogenic right ventricular dysplasia. Last evaluated: 2023-08-15. Review status: criteria provided, single submitter. Criteria: ACMG Guidelines, 2015. Collection method: clinical testing. Allele origin: germline. Inheritance: Autosomal dominant inheritance. Observed: 1 variant allele, 1 heterozygote.
Comment: This study involves interpretation of variants in research participants for the purpose of population health screening. Participant phenotype was not available at the time of variant classification. Additional details can be found in publication PMID: 35346344, PMCID: PMC8962531